The following is an entry in ClinVar:

ClinVar aggregate classification (germline): Pathogenic/Likely pathogenic. Review status: criteria provided, multiple submitters, no conflicts (2 of 4 stars). 5 submissions from 5 submitters: Pathogenic (1); Likely pathogenic (3). 1 of the submissions does not count toward it. Last evaluated 2026-01-19.

Conditions:
Hypophosphatasia. Also called: Phosphoethanol-aminuria. Identifiers: Orphanet 436, MedGen C0020630, MeSH D007014, MONDO:0018570.
Adult hypophosphatasia. Identifiers: Orphanet 247676, Orphanet 436, MedGen C0268413, MONDO:1010154, OMIM 146300, MONDO:0007798.
Infantile hypophosphatasia. Identifiers: Orphanet 247651, Orphanet 436, MedGen C0268412, MONDO:1010169, OMIM 241500, MONDO:0009427.
Childhood hypophosphatasia. Identifiers: Orphanet 247667, Orphanet 436, MedGen C0220743, MONDO:1010168, OMIM 241510, MONDO:0009428.

Submissions (5):

Women's Health and Genetics/Laboratory Corporation of America, LabCorp
Classification: Pathogenic for Hypophosphatasia. Last evaluated: 2026-01-19. Review status: criteria provided, single submitter. Criteria: LabCorp Variant Classification Summary - May 2015. Collection method: clinical testing. Allele origin: germline.
Comment: Variant summary: ALPL c.1426G>T (p.Glu476X) results in a premature termination codon, and although it is not predicted to undergo nonsense mediated decay, it is expected to cause a truncation of the encoded protein, which is a commonly known mechanism for disease. Variants downstream of this position have been classified as pathogenic by our laboratory. The variant was absent in 244644 control chromosomes. To our knowledge, no occurrence of c.1426G>T in individuals affected with ALPL-related conditions and no experimental evidence demonstrating its impact on protein function have been reported. ClinVar contains an entry for this variant (Variation ID: 371313). Based on the evidence outlined above, the variant was classified as pathogenic for autosomal recessive and autosomal dominant Hypophosphatasia.

Natera, Inc.
Classification: Likely pathogenic for Hypophosphatasia. Last evaluated: 2024-07-03. Review status: criteria provided, single submitter. Criteria: Natera Variant Classification Schema (03/2026). Collection method: clinical testing. Allele origin: germline.
Comment: The c.1426G>T variant in ALPL is a nonsense variant predicted to introduce a stop codon at amino acid 476. This variant is expected to result in nonsense mediated decay, truncation, or a dysfunctional protein product. This variant is rare in the general population with a frequency below the threshold expected for the associated phenotype(s). Given the available evidence, this variant is classified as Likely Pathogenic.

Baylor Genetics
Classification: Likely pathogenic for Adult hypophosphatasia. Last evaluated: 2024-03-04. Review status: criteria provided, single submitter. Criteria: ACMG Guidelines, 2015. Collection method: clinical testing. Allele origin: unknown.

Fulgent Genetics
Classification: Likely pathogenic for Adult hypophosphatasia; Infantile hypophosphatasia; Childhood hypophosphatasia. Last evaluated: 2024-01-01. Review status: criteria provided, single submitter. Criteria: ACMG Guidelines, 2015. Collection method: clinical testing. Allele origin: germline.

Counsyl
Classification: Likely pathogenic for Infantile hypophosphatasia. Last evaluated: 2016-08-24. Review status: no assertion criteria provided. Collection method: clinical testing. Allele origin: unknown. Not counted in ClinVar's aggregate classification.

NM_000478.6(ALPL):c.1426G>T (p.Glu476Ter)

Gene: ALPL (alkaline phosphatase, biomineralization associated; plus strand). Cytogenetic location: 1p36.12.
Variant type: single nucleotide variant.
Coding change: c.1426G>T on transcript NM_000478.6 (MANE Select); coding-DNA position 1426, G replaced by T.
Protein change: p.Glu476Ter; replaces glutamic acid 476 with a stop codon.
Molecular consequence: nonsense.
Genome position (GRCh38, 1-based): chr1:21,577,499, G>T. VCF-style: chr1-21577499-G-T. GRCh37 (hg19) VCF-style: chr1-21903992-G-T.
Other names: c.1261G>T, p.Glu421Ter (NM_001127501.4); c.1195G>T, p.Glu399Ter (NM_001177520.3); c.1426G>T, p.Glu476Ter (NM_001369803.2, NM_001369804.2, NM_001369805.2); c.1426G>T (NM_000478.5); short protein forms E476*, E421*, E399*.
Identifiers: ClinVar variation 371313 (VCV000371313.7), dbSNP rs1057517173, ClinGen allele CA16040723.